The following is an entry in ClinVar:

NM_002547.3(OPHN1):c.1913T>C (p.Leu638Pro)

Gene: OPHN1 (oligophrenin 1; minus strand). Cytogenetic location: Xq12.
Variant type: single nucleotide variant.
Coding change: c.1913T>C on transcript NM_002547.3 (MANE Select); coding-DNA position 1913, T replaced by C.
Protein change: p.Leu638Pro; replaces leucine 638 with proline.
Molecular consequence: missense variant.
Genome position (GRCh38, 1-based): chrX:68,064,099, A>G on the plus strand (T>C on the coding strand, the complement: OPHN1 is on the minus strand). VCF-style: chrX-68064099-A-G. GRCh37 (hg19) VCF-style: chrX-67283941-A-G.
Other names: c.1913T>C (NM_002547.2); short protein forms L638P.
Identifiers: ClinVar variation 2585370 (VCV002585370.2), dbSNP rs745376525, ClinGen allele CA413430860.
Genomic context (GRCh38, chrX:68,064,099, plus strand): 5'-AAAATAGGCCTGCTTGGGGACTTCCTCCCAGGATCAGTTTCCCCACTCCTCTGAATAGGT[A>G]GTTTGGGGTGTTGTGGTGGCTTGGGGGGTTCTATGCTGCTGGTGATAGTACCATTCGGTG-3'
Protein context (NP_002538.1, residues 628-648): EPPKPPQHPK[Leu638Pro]PIQRSGETDP

ClinVar aggregate classification (germline): Uncertain significance. Review status: criteria provided, multiple submitters, no conflicts (2 of 4 stars). 2 submissions from 2 submitters: Uncertain significance (2). Last evaluated 2024-06-26.

Conditions:
Intellectual developmental disorder, X-linked, syndromic, Billuart type. Also called: MENTAL RETARDATION, X-LINKED 60; X-linked intellectual disability-cerebellar hypoplasia syndrome. Identifiers: Orphanet 137831, MedGen C1845366, MONDO:0010337, OMIM 300486.
Inborn genetic diseases. Identifiers: MedGen C0950123, MeSH D030342.

Allele frequency attached by ClinVar (database versions not stated): gnomAD 0.00001.
gnomAD v4.1: 3 of 1,207,328 alleles (0.00025%); highest among the groups gnomAD compares: South Asian, 0.0035%; no homozygotes.

Submissions (2):

Ambry Genetics
Classification: Uncertain significance for Inborn genetic diseases. Last evaluated: 2024-06-26. Review status: criteria provided, single submitter. Criteria: Ambry Variant Classification Scheme 2023. Collection method: clinical testing. Allele origin: germline.

Neuberg Centre For Genomic Medicine, NCGM
Classification: Uncertain significance for Intellectual developmental disorder, X-linked, syndromic, Billuart type. Review status: criteria provided, single submitter. Criteria: ACMG Guidelines, 2015. Collection method: clinical testing. Allele origin: germline. Inheritance: X-linked inheritance. Affected: yes.
Comment: The missense variant c.1913T>C (p.Leu638Pro) in OPHN1 gene has not been reported previously as a pathogenic variant nor as a benign variant, to our knowledge. The p.Leu638Pro variant is novel (not in any individuals) in gnomAD Exomes and 1000 Genomes. The amino acid Leu at position 638 is changed to a Pro changing protein sequence and it might alter its composition and physico-chemical properties. In silico tools predict the variant to be tolerated. The residue is conserved across species. The amino acid change p.Leu638Pro in OPHN1 is predicted as conserved by GERP++ and PhyloP across 100 vertebrates. For these reasons, this variant has been classified as Uncertain Significance